The following is an entry in ClinVar:

NM_139343.3(BIN1):c.604C>T (p.Arg202Ter)

Gene: BIN1 (bridging integrator 1; minus strand). Cytogenetic location: 2q14.3.
Variant type: single nucleotide variant.
Coding change: c.604C>T on transcript NM_139343.3 (MANE Select); coding-DNA position 604, C replaced by T.
Protein change: p.Arg202Ter; replaces arginine 202 with a stop codon.
Molecular consequence: nonsense. On other transcripts: intron variant (10).
Genome position (GRCh38, 1-based): chr2:127,068,171, G>A on the plus strand (C>T on the coding strand, the complement: BIN1 is on the minus strand). VCF-style: chr2-127068171-G-A. GRCh37 (hg19) VCF-style: chr2-127825747-G-A.
Other names: c.604C>T, p.Arg202Ter (NM_001320633.2, NM_001320640.2, NM_139344.3 and 1 more transcripts); c.523C>T, p.Arg175Ter (NM_001320642.1); c.447+753C>T (NM_001320634.1); c.519+753C>T (NM_139351.3, NM_139350.3, NM_139349.3 and 6 more transcripts); short protein forms R175*, R202*.
Identifiers: ClinVar variation 1010127 (VCV001010127.6), dbSNP rs762897872, ClinGen allele CA1857427.

ClinVar aggregate classification (germline): Uncertain significance (1 of 4 stars; one submission).

Conditions:
Myopathy, centronuclear, 2 (CNM2). Also called: MYOTUBULAR MYOPATHY, AUTOSOMAL RECESSIVE. Identifiers: Orphanet 169186, MedGen CN031787, MONDO:0009709, OMIM 255200.

Allele frequency attached by ClinVar (database versions not stated): ExAC 0.00001; TOPMed 0.00002; gnomAD exomes below 0.00001 and 0.00001.

Submission:

Labcorp Genetics (formerly Invitae), Labcorp
Classification: Uncertain significance for Myopathy, centronuclear, 2. Last evaluated: 2025-12-21. Review status: criteria provided, single submitter. Criteria: Invitae Variant Classification Sherloc (09022015). Collection method: clinical testing. Allele origin: germline.
Comment: This sequence change creates a premature translational stop signal (p.Arg202*) in the BIN1 gene. It is expected to result in an absent or disrupted protein product. However, the current clinical and genetic evidence is not sufficient to establish whether loss-of-function variants in BIN1 cause disease. The frequency data for this variant in the population databases is considered unreliable, as metrics indicate poor data quality at this position in the gnomAD database. This variant has not been reported in the literature in individuals affected with BIN1-related conditions. ClinVar contains an entry for this variant (Variation ID: 1010127). Algorithms developed to predict the effect of sequence changes on RNA splicing suggest that this variant may disrupt the consensus splice site. In summary, the available evidence is currently insufficient to determine the role of this variant in disease. Therefore, it has been classified as a Variant of Uncertain Significance.